The following is an entry in ClinVar:

NM_000501.4(ELN):c.898A>T (p.Thr300Ser)

Gene: ELN (elastin; plus strand). Cytogenetic location: 7q11.23.
Variant type: single nucleotide variant.
Coding change: c.898A>T on transcript NM_000501.4 (MANE Select); coding-DNA position 898, A replaced by T.
Protein change: p.Thr300Ser; replaces threonine 300 with serine.
Molecular consequence: missense variant.
Genome position (GRCh38, 1-based): chr7:74,051,932, A>T. VCF-style: chr7-74051932-A-T. GRCh37 (hg19) VCF-style: chr7-73466262-A-T.
Other names: c.898A>T (NM_000501.2); c.868A>T, p.Thr290Ser (NM_001081752.3, NM_001278917.2); c.913A>T, p.Thr305Ser (NM_001081753.3, NM_001081754.3); c.898A>T, p.Thr300Ser (NM_001081755.3, NM_001278912.2, NM_001278915.2 and 1 more transcripts); c.790A>T, p.Thr264Ser (NM_001278913.2); c.883A>T, p.Thr295Ser (NM_001278914.2); c.856A>T, p.Thr286Ser (NM_001278916.2); c.766A>T, p.Thr256Ser (NM_001278918.2); short protein forms T300S, T256S, T295S, T264S, T305S, T286S, T290S.
Identifiers: ClinVar variation 523433 (VCV000523433.45), dbSNP rs766735416, ClinGen allele CA160131367.

ClinVar aggregate classification (germline): Conflicting classifications of pathogenicity. Review status: criteria provided, conflicting classifications (1 of 4 stars). 5 submissions from 5 submitters: Uncertain significance (4); Likely benign (1). Last evaluated 2025-05-14.

Conditions:
Inborn genetic diseases. Identifiers: MedGen C0950123, MeSH D030342.
Supravalvar aortic stenosis (SVAS). Also called: Supravalvar aortic stenosis, Eisenberg type. Identifiers: Orphanet 3193, MedGen C0003499, MONDO:0008504, OMIM 185500, HP:0004381.
Varicose disease. Also called: Varicose veins. Identifiers: MedGen C0042345, MONDO:0008638, OMIM 192200, HP:0002619.
Inguinal hernia. Identifiers: MedGen C0019294, HP:0000023.
Aortic root aneurysm. Also called: Aneurysm of aortic root. Identifiers: MedGen C1298820, HP:0002616.
Gastrointestinal carcinoma. Identifiers: MedGen C0151544, MONDO:0006181, HP:0002672.
Colorectal polyposis. Also called: Polyp of large intestine; Colorectal polyp. Identifiers: MedGen C0949059, MONDO:0021392, HP:0200063.
Prominent superficial blood vessels. Identifiers: MedGen C1848771, HP:0007394.
Dilatation of the sinus of Valsalva. Identifiers: MedGen C4476551, HP:0011645.
Bruising susceptibility. Also called: Easy bruising. Identifiers: MedGen C0423798, HP:0000978.

Allele frequency attached by ClinVar (database versions not stated): gnomAD 0.00001; gnomAD exomes 0.00001; TOPMed 0.00001.

Submissions (5):

Ambry Genetics
Classification: Uncertain significance for Inborn genetic diseases. Last evaluated: 2025-05-14. Review status: criteria provided, single submitter. Criteria: Ambry Variant Classification Scheme 2023. Collection method: clinical testing. Allele origin: germline.

Blueprint Genetics
Classification: Likely benign. Last evaluated: 2024-11-22. Review status: criteria provided, single submitter. Criteria: ACMG Guidelines, 2015. Collection method: clinical testing. Allele origin: germline.

Labcorp Genetics (formerly Invitae), Labcorp
Classification: Uncertain significance for Supravalvar aortic stenosis. Last evaluated: 2024-10-16. Review status: criteria provided, single submitter. Criteria: Invitae Variant Classification Sherloc (09022015). Collection method: clinical testing. Allele origin: germline.
Comment: This sequence change replaces threonine, which is neutral and polar, with serine, which is neutral and polar, at codon 300 of the ELN protein (p.Thr300Ser). This variant is present in population databases (rs766735416, gnomAD 0.0009%). This variant has not been reported in the literature in individuals affected with ELN-related conditions. ClinVar contains an entry for this variant (Variation ID: 523433). Invitae Evidence Modeling of protein sequence and biophysical properties (such as structural, functional, and spatial information, amino acid conservation, physicochemical variation, residue mobility, and thermodynamic stability) indicates that this missense variant is not expected to disrupt ELN protein function with a negative predictive value of 80%. In summary, the available evidence is currently insufficient to determine the role of this variant in disease. Therefore, it has been classified as a Variant of Uncertain Significance.

CeGaT Center for Human Genetics Tuebingen
Classification: Uncertain significance. Last evaluated: 2020-10-01. Review status: criteria provided, single submitter. Criteria: CeGaT Center For Human Genetics Tuebingen Variant Classification Criteria Version 2. Collection method: clinical testing. Allele origin: germline. Affected: yes. Observed: 1 variant allele.

Centre for Mendelian Genomics, University Medical Centre Ljubljana
Classification: Uncertain significance for Aortic root aneurysm; Bruising susceptibility; Colorectal polyposis; Gastrointestinal carcinoma; Inguinal hernia; Prominent superficial blood vessels; Dilatation of the sinus of Valsalva; Varicose disease. Last evaluated: 2017-01-01. Review status: criteria provided, single submitter. Criteria: ACMG Guidelines, 2015. Collection method: clinical testing. Allele origin: unknown. Affected: yes.